The following is an entry in ClinVar:

ClinVar aggregate classification (germline): Conflicting classifications of pathogenicity. Review status: criteria provided, conflicting classifications (1 of 4 stars). 8 submissions from 8 submitters: Likely pathogenic (2); Uncertain significance (5). 1 of the submissions does not count toward it. Last evaluated 2026-05-12.

Conditions:
Cholestanol storage disease (CTX). Also called: CEREBRAL CHOLESTERINOSIS; Cerebrotendinous Xanthomatosis; CTX: Cerebrotendinous xanthomatosis. Identifiers: Orphanet 909, MedGen C0238052, MONDO:0008948, OMIM 213700.
CYP27A1-related disorder. Also called: CYP27A1-related condition.

Allele frequency attached by ClinVar (database versions not stated): TOPMed 0.00006; 1000 Genomes Project 30x 0.00016; 1000 Genomes Project 0.00020.
gnomAD v4.1: 152 of 1,614,162 alleles (0.0094%); highest among the groups gnomAD compares: South Asian, 0.02%; no homozygotes.

Submissions (8):

PreventionGenetics, part of Exact Sciences
Classification: Likely pathogenic for CYP27A1-related condition. Last evaluated: 2026-05-12. Review status: criteria provided, single submitter. Criteria: ACMG Guidelines, 2015. Collection method: clinical testing. Allele origin: germline.
Comment: The CYP27A1 c.1436G>A variant is predicted to result in the amino acid substitution p.Arg479His. The variant was reported in the heterozygous state in an individual with intrahepatic cholestasis of pregnancy (Xin et al. 2021. PubMed ID: 34930075). At PreventionGenetics, this variant was found in two patients tested for cerebrotendinous xanthomatosis (CTX) (Internal Data). This variant is reported in 0.023% of alleles in individuals of Latino descent in gnomAD. Of note, several different variants that affect this same amino acid residue (p.Arg479Gly, p.Arg479Ser, p.Arg479Cys) have been reported in individuals with CTX (Guyant-Maréchal et al. 2005. PubMed ID: 16278884; Jiao et al. 2018. PubMed ID: 29095540; Mandrile et al. 2014. PubMed ID: 24584636). Based on this evidence we interpret the c.1436G>A (p.Arg479His) variant as likely pathogenic.

GeneDx
Classification: Uncertain significance. Last evaluated: 2026-01-28. Review status: criteria provided, single submitter. Criteria: GeneDx Variant Classification Process June 2021. Collection method: clinical testing. Allele origin: germline.
Comment: Functional studies in transfected RBE cells results in lower mRNA levels, but has no affect on TBA and cholesterol levels (PMID: 34930075); In silico analysis supports that this missense variant has a deleterious effect on protein structure/function; This variant is associated with the following publications: (PMID: 32344004, 34930075)

Labcorp Genetics (formerly Invitae), Labcorp
Classification: Likely pathogenic for Cholestanol storage disease. Last evaluated: 2026-01-28. Review status: criteria provided, single submitter. Criteria: Invitae Variant Classification Sherloc (09022015). Collection method: clinical testing. Allele origin: germline.
Comment: This sequence change replaces arginine, which is basic and polar, with histidine, which is basic and polar, at codon 479 of the CYP27A1 protein (p.Arg479His). This variant is present in population databases (rs199638075, gnomAD 0.03%). This variant has not been reported in the literature in individuals affected with CYP27A1-related conditions. ClinVar contains an entry for this variant (Variation ID: 498030). Invitae Evidence Modeling of protein sequence and biophysical properties (such as structural, functional, and spatial information, amino acid conservation, physicochemical variation, residue mobility, and thermodynamic stability) indicates that this missense variant is expected to disrupt CYP27A1 protein function with a positive predictive value of 95%. Experimental studies have shown that this missense change affects CYP27A1 function (PMID: 34930075). This variant disrupts the p.Arg479 amino acid residue in CYP27A1. Other variant(s) that disrupt this residue have been determined to be pathogenic (PMID: 2019602, 21073839, 24584636). This suggests that this residue is clinically significant, and that variants that disrupt this residue are likely to be disease-causing. In summary, the currently available evidence indicates that the variant is pathogenic, but additional data are needed to prove that conclusively. Therefore, this variant has been classified as Likely Pathogenic.

Blueprint Genetics
Classification: Uncertain significance. Last evaluated: 2024-11-06. Review status: criteria provided, single submitter. Criteria: ACMG Guidelines, 2015. Collection method: clinical testing. Allele origin: germline.

Department of Pathology and Laboratory Medicine, Sinai Health System
Classification: Uncertain significance for cerebrotendinous xanthomatosis. Last evaluated: 2022-05-24. Review status: criteria provided, single submitter. Criteria: ACMG Guidelines, 2015. Collection method: research. Allele origin: germline.

Eurofins Ntd Llc (ga)
Classification: Uncertain significance. Last evaluated: 2017-12-14. Review status: criteria provided, single submitter. Criteria: EGL Classification Definitions 2015. Collection method: clinical testing. Allele origin: germline. Observed: 2 variant alleles, 2 heterozygotes.

Juno Genomics, Hangzhou Juno Genomics, Inc
Classification: Uncertain significance for Cholestanol storage disease. Review status: criteria provided, single submitter. Criteria: ACMG Guidelines, 2015. Collection method: clinical testing. Allele origin: germline.
Comment: Absent from controls (or at extremely low frequency if recessive) in Genome Aggregation Database.;Multiple lines of computational evidence support a deleterious effect on the gene or gene product.;Novel missense change at an amino acid residue where a different missense change determined to be pathogenic has been seen before.

Natera, Inc.
Classification: Likely pathogenic for Cerebrotendinous xanthomatosis. Last evaluated: 2024-10-03. Review status: no assertion criteria provided. Collection method: clinical testing. Allele origin: germline. Not counted in ClinVar's aggregate classification.

Literature cited by the submitters: PubMed 34930075 (cited by Labcorp Genetics (formerly Invitae), Labcorp); PubMed 2019602 (cited by Labcorp Genetics (formerly Invitae), Labcorp); PubMed 21073839 (cited by Labcorp Genetics (formerly Invitae), Labcorp); PubMed 24584636 (cited by Labcorp Genetics (formerly Invitae), Labcorp).

NM_000784.4(CYP27A1):c.1436G>A (p.Arg479His)

Gene: CYP27A1 (cytochrome P450 family 27 subfamily A member 1; plus strand). Cytogenetic location: 2q35.
Variant type: single nucleotide variant.
Coding change: c.1436G>A on transcript NM_000784.4 (MANE Select); coding-DNA position 1436, G replaced by A.
Protein change: p.Arg479His; replaces arginine 479 with histidine.
Molecular consequence: missense variant.
Genome position (GRCh38, 1-based): chr2:218,814,717, G>A. VCF-style: chr2-218814717-G-A. GRCh37 (hg19) VCF-style: chr2-219679440-G-A.
Other names: short protein forms R479H.
Identifiers: ClinVar variation 498030 (VCV000498030.21), dbSNP rs199638075, ClinGen allele CA2112895.